The following is an entry in ClinVar:

NM_000057.4(BLM):c.1921del (p.His641fs)

Gene: BLM (BLM RecQ like helicase; plus strand). Cytogenetic location: 15q26.1.
Variant type: Deletion.
Coding change: c.1921del on transcript NM_000057.4 (MANE Select); coding-DNA position 1921, one base deleted (C; older notation c.1921delC).
Protein change: p.His641fs; shifts the reading frame from histidine 641.
Molecular consequence: frameshift variant.
Genome position (GRCh38, 1-based): chr15:90,763,004, C deleted. VCF-style (leftmost placement, unchanged base first): chr15-90763003-AC-A. GRCh37 (hg19) VCF-style: chr15-91306233-AC-A.
Other names: c.1921del, p.His641fs (NM_001287246.2, NM_001287247.2); c.796del, p.His266fs (NM_001287248.2); c.1921del (NM_000057.3); short protein forms H266fs, H641fs.
Identifiers: ClinVar variation 2113611 (VCV002113611.8), dbSNP rs2505434577, ClinGen allele CA2580090483.
Genomic context (GRCh38, chr15:90,763,003, plus strand): 5'-CTTAACGTTGATTATTTTCCTAGACAAGTCAGCACAAAATTTAGCATCCAGAAATCTGAA[AC>A]ATGAGCGTTTCCAAAGTCTTAGTTTTCCTCATACAAAGGAAATGATGAAGATTTTTCATA-3'

ClinVar aggregate classification (germline): Pathogenic/Likely pathogenic. Review status: criteria provided, multiple submitters, no conflicts (2 of 4 stars). 4 submissions from 4 submitters: Pathogenic (3); Likely pathogenic (1). Last evaluated 2026-07-13.

Conditions:
Hereditary cancer-predisposing syndrome. Also called: Neoplastic Syndromes, Hereditary; Tumor predisposition; Hereditary Cancer Syndrome; Hereditary neoplastic syndrome. Identifiers: Orphanet 140162, MedGen C0027672, MeSH D009386, MONDO:0015356.
Bloom syndrome (BLM). Also called: Bloom-Torre-Machacek syndrome. Identifiers: Orphanet 125, MedGen C0005859, MONDO:0008876, OMIM 210900.

Allele frequency attached by ClinVar (database versions not stated): gnomAD exomes below 0.00001.

Submissions (4):

Myriad Genetics, Inc.
Classification: Pathogenic for Bloom syndrome. Last evaluated: 2026-07-13. Review status: criteria provided, single submitter. Criteria: Myriad Autosomal Dominant, Autosomal Recessive and X-Linked Classification Criteria (2023). Collection method: clinical testing. Allele origin: unknown.
Comment: This variant is considered pathogenic. This variant creates a frameshift predicted to result in premature protein truncation.

Natera, Inc.
Classification: Likely pathogenic for Bloom syndrome. Last evaluated: 2024-08-06. Review status: criteria provided, single submitter. Criteria: Natera Variant Classification Schema (03/2026). Collection method: clinical testing. Allele origin: germline.
Comment: The c.1921del variant in BLM is a frameshift variant predicted to shift the reading frame beginning at codon 641 and leads to a stop codon 15 codons downstream. This variant is expected to result in nonsense mediated decay, truncation, or a dysfunctional protein product. This variant is rare in the general population with a frequency below the threshold expected for the associated phenotype(s). Given the available evidence, this variant is classified as Likely Pathogenic.

Labcorp Genetics (formerly Invitae), Labcorp
Classification: Pathogenic for Bloom syndrome. Last evaluated: 2023-08-03. Review status: criteria provided, single submitter. Criteria: Invitae Variant Classification Sherloc (09022015). Collection method: clinical testing. Allele origin: germline.
Comment: This variant has not been reported in the literature in individuals affected with BLM-related conditions. ClinVar contains an entry for this variant (Variation ID: 2113611). For these reasons, this variant has been classified as Pathogenic. This variant is not present in population databases (gnomAD no frequency). This sequence change creates a premature translational stop signal (p.His641Metfs*15) in the BLM gene. It is expected to result in an absent or disrupted protein product. Loss-of-function variants in BLM are known to be pathogenic (PMID: 17407155).

Ambry Genetics
Classification: Pathogenic for Hereditary cancer-predisposing syndrome. Last evaluated: 2023-03-22. Review status: criteria provided, single submitter. Criteria: Ambry Variant Classification Scheme 2023. Collection method: clinical testing. Allele origin: germline.
Comment: The c.1921delC pathogenic mutation, located in coding exon 7 of the BLM gene, results from a deletion of one nucleotide at nucleotide position 1921, causing a translational frameshift with a predicted alternate stop codon (p.H641Mfs*15). This alteration is expected to result in loss of function by premature protein truncation or nonsense-mediated mRNA decay. This variant is considered to be rare based on population cohorts in the Genome Aggregation Database (gnomAD). As such, this alteration is interpreted as a disease-causing mutation.

Literature cited by the submitters: PubMed 17407155 (cited by Labcorp Genetics (formerly Invitae), Labcorp).